The following is an entry in ClinVar:

ClinVar aggregate classification (germline): Uncertain significance (0 of 4 stars; one submission).

Conditions:
TNRC6B-related disorder. Also called: TNRC6B-related condition.

Submission:

PreventionGenetics, part of Exact Sciences
Classification: Uncertain significance for TNRC6B-related condition. Last evaluated: 2024-09-09. Review status: no assertion criteria provided. Collection method: clinical testing. Allele origin: germline.
Comment: The TNRC6B c.88C>G variant is predicted to result in the amino acid substitution p.Gln30Glu. To our knowledge, this variant has not been reported in the literature or in a large population database, indicating this variant is rare. At this time, the clinical significance of this variant is uncertain due to the absence of conclusive functional and genetic evidence.

NM_001162501.2(TNRC6B):c.88C>G (p.Gln30Glu)

Gene: TNRC6B (trinucleotide repeat containing adaptor 6B; plus strand). Cytogenetic location: 22q13.1.
Variant type: single nucleotide variant.
Coding change: c.88C>G on transcript NM_001162501.2 (MANE Select); coding-DNA position 88, C replaced by G.
Protein change: p.Gln30Glu; replaces glutamine 30 with glutamic acid.
Molecular consequence: missense variant.
Genome position (GRCh38, 1-based): chr22:40,246,097, C>G. VCF-style: chr22-40246097-C-G. GRCh37 (hg19) VCF-style: chr22-40642101-C-G.
Other names: c.196C>G, p.Gln66Glu (NM_001024843.2); c.88C>G, p.Gln30Glu (NM_015088.3); short protein forms Q30E, Q66E.
Identifiers: ClinVar variation 3344438 (VCV003344438.1).
Genomic context (GRCh38, chr22:40,246,097, plus strand): 5'-GAACAGTTAATGGAAGACAAGAAAAGGAAGAAAGAGGATAAAAAGAAAAAAGAAGCCACT[C>G]AGAAGGTAGGTTTAATCAGTTAAGTCTGTCTTTTTATCTGCTAGGCATCCAGCATCCAGA-3'
Protein context (NP_001155973.1, residues 20-40): KEDKKKKEAT[Gln30Glu]KVTEQKTKVP